The following is an entry in ClinVar:

ClinVar aggregate classification (germline): Uncertain significance (1 of 4 stars; one submission).

Allele frequency attached by ClinVar (database versions not stated): gnomAD exomes below 0.00001; TOPMed 0.00001.
gnomAD v4.1: 3 of 1,614,128 alleles (0.00019%); highest among the groups gnomAD compares: Non-Finnish European, 0.00025%; no homozygotes.

Submission:

Ambry Genetics
Classification: Uncertain significance. Last evaluated: 2022-05-04. Review status: criteria provided, single submitter. Criteria: Ambry Variant Classification Scheme 2023. Collection method: clinical testing. Allele origin: germline.
Comment: The p.N176S variant (also known as c.527A>G), located in coding exon 6 of the NPAT gene, results from an A to G substitution at nucleotide position 527. The asparagine at codon 176 is replaced by serine, an amino acid with highly similar properties. This amino acid position is conserved. In addition, this alteration is predicted to be tolerated by in silico analysis. Since supporting evidence is limited at this time, the clinical significance of this alteration remains unclear.

NM_002519.3(NPAT):c.527A>G (p.Asn176Ser)

Gene: NPAT (nuclear protein, coactivator of histone transcription; minus strand). Cytogenetic location: 11q22.3.
Variant type: single nucleotide variant.
Coding change: c.527A>G on transcript NM_002519.3 (MANE Select); coding-DNA position 527, A replaced by G.
Protein change: p.Asn176Ser; replaces asparagine 176 with serine.
Molecular consequence: missense variant.
Genome position (GRCh38, 1-based): chr11:108,189,135, T>C on the plus strand (A>G on the coding strand, the complement: NPAT is on the minus strand). VCF-style: chr11-108189135-T-C. GRCh37 (hg19) VCF-style: chr11-108059862-T-C.
Other names: c.527A>G, p.Asn176Ser (NM_001321307.1); short protein forms N176S.
Identifiers: ClinVar variation 1746546 (VCV001746546.2), dbSNP rs1168904182, ClinGen allele CA382524125.